The following is an entry in ClinVar:

ClinVar aggregate classification (germline): Uncertain significance (1 of 4 stars; one submission).

Submission:

Ambry Genetics
Classification: Uncertain significance. Last evaluated: 2024-07-31. Review status: criteria provided, single submitter. Criteria: Ambry Variant Classification Scheme 2023. Collection method: clinical testing. Allele origin: germline.
Comment: The p.V412M variant (also known as c.1234G>A), located in coding exon 3 of the ALPK2 gene, results from a G to A substitution at nucleotide position 1234. The valine at codon 412 is replaced by methionine, an amino acid with highly similar properties. This amino acid position is conserved. In addition, this alteration is predicted to be tolerated by in silico analysis. Based on the available evidence, the clinical significance of this variant remains unclear.

NM_052947.4(ALPK2):c.1234G>A (p.Val412Met)

Gene: ALPK2 (alpha kinase 2; minus strand). Cytogenetic location: 18q21.31.
Variant type: single nucleotide variant.
Coding change: c.1234G>A on transcript NM_052947.4 (MANE Select); coding-DNA position 1234, G replaced by A.
Protein change: p.Val412Met; replaces valine 412 with methionine.
Molecular consequence: missense variant.
Genome position (GRCh38, 1-based): chr18:58,579,542, C>T on the plus strand (G>A on the coding strand, the complement: ALPK2 is on the minus strand). VCF-style: chr18-58579542-C-T. GRCh37 (hg19) VCF-style: chr18-56246774-C-T.
Other names: short protein forms V412M.
Identifiers: ClinVar variation 3530982 (VCV003530982.1).